The following is an entry in ClinVar:

ClinVar aggregate classification (germline): Uncertain significance. Review status: criteria provided, multiple submitters, no conflicts (2 of 4 stars). 2 submissions from 2 submitters: Uncertain significance (2). Last evaluated 2024-05-09.

Conditions:
Hereditary spastic paraplegia 43. Also called: Spastic paraplegia 43, autosomal recessive. Identifiers: Orphanet 320370, MedGen C2680446, MONDO:0014024, OMIM 615043.
Neurodegeneration with brain iron accumulation 4 (NBIA4). Also called: MITOCHONDRIAL PROTEIN-ASSOCIATED NEURODEGENERATION. Identifiers: Orphanet 289560, MedGen C3280371, MONDO:0013674, OMIM 614298. Disease mechanism: loss of function.

Allele frequency attached by ClinVar (database versions not stated): gnomAD 0.00001; gnomAD exomes 0.00001; TOPMed 0.00001; ExAC 0.00002.
gnomAD v4.1: 10 of 1,613,750 alleles (0.00062%); highest among the groups gnomAD compares: Admixed American, 0.005%; no homozygotes.

Submissions (2):

Fulgent Genetics
Classification: Uncertain significance for Neurodegeneration with brain iron accumulation 4; Hereditary spastic paraplegia 43. Last evaluated: 2024-05-09. Review status: criteria provided, single submitter. Criteria: ACMG Guidelines, 2015. Collection method: clinical testing. Allele origin: germline.

Labcorp Genetics (formerly Invitae), Labcorp
Classification: Uncertain significance for Hereditary spastic paraplegia 43. Last evaluated: 2024-02-24. Review status: criteria provided, single submitter. Criteria: Invitae Variant Classification Sherloc (09022015). Collection method: clinical testing. Allele origin: germline.
Comment: This sequence change replaces arginine, which is basic and polar, with glutamine, which is neutral and polar, at codon 145 of the C19orf12 protein (p.Arg145Gln). This variant is present in population databases (rs778355384, gnomAD 0.003%). This variant has not been reported in the literature in individuals affected with C19orf12-related conditions. ClinVar contains an entry for this variant (Variation ID: 1682819). Algorithms developed to predict the effect of missense changes on protein structure and function output the following: SIFT: "Not Available"; PolyPhen-2: "Benign"; Align-GVGD: "Not Available". The glutamine amino acid residue is found in multiple mammalian species, which suggests that this missense change does not adversely affect protein function. In summary, the available evidence is currently insufficient to determine the role of this variant in disease. Therefore, it has been classified as a Variant of Uncertain Significance.

NM_031448.6(C19orf12):c.401G>A (p.Arg134Gln)

Gene: C19orf12 (chromosome 19 open reading frame 12; minus strand). Cytogenetic location: 19q12.
Variant type: single nucleotide variant.
Coding change: c.401G>A on transcript NM_031448.6 (MANE Select); coding-DNA position 401, G replaced by A.
Protein change: p.Arg134Gln; replaces arginine 134 with glutamine.
Molecular consequence: missense variant. On other transcripts: 3 prime UTR variant (1).
Genome position (GRCh38, 1-based): chr19:29,702,737, C>T on the plus strand (G>A on the coding strand, the complement: C19orf12 is on the minus strand). VCF-style: chr19-29702737-C-T. GRCh37 (hg19) VCF-style: chr19-30193644-C-T.
Other names: c.434G>A (NM_001031726.3); c.401G>A, p.Arg134Gln (NM_001031726.4, NM_001256047.2); c.*22G>A (NM_001256046.3); c.209G>A, p.Arg70Gln (NM_001282929.1, NM_001282930.3, NM_001282931.3); short protein forms R134Q, R70Q.
Identifiers: ClinVar variation 1682819 (VCV001682819.9), dbSNP rs778355384, ClinGen allele CA9351867.